The following is an entry in ClinVar:

NM_201253.3(CRB1):c.3853T>G (p.Cys1285Gly)

Gene: CRB1 (crumbs cell polarity complex component 1; plus strand). Cytogenetic location: 1q31.3.
Variant type: single nucleotide variant.
Coding change: c.3853T>G on transcript NM_201253.3 (MANE Select); coding-DNA position 3853, T replaced by G.
Protein change: p.Cys1285Gly; replaces cysteine 1285 with glycine.
Molecular consequence: missense variant. On other transcripts: non-coding transcript variant (2).
Genome position (GRCh38, 1-based): chr1:197,438,650, T>G. VCF-style: chr1-197438650-T-G. GRCh37 (hg19) VCF-style: chr1-197407780-T-G.
Other names: c.3517T>G, p.Cys1173Gly (NM_001193640.2); c.3781T>G, p.Cys1261Gly (NM_001257965.2); c.2245T>G, p.Cys749Gly (NM_001257966.2); short protein forms C1173G, C749G, C1261G, C1285G.
Identifiers: ClinVar variation 2021333 (VCV002021333.7), dbSNP rs1665279918, ClinGen allele CA344050984.

ClinVar aggregate classification (germline): Conflicting classifications of pathogenicity. Review status: criteria provided, conflicting classifications (1 of 4 stars). 2 submissions from 2 submitters: Likely pathogenic (1); Uncertain significance (1). Last evaluated 2022-08-03.

Conditions:
Retinitis pigmentosa 12 (RP12). Also called: RP WITH OR WITHOUT PPRPE; RP WITH OR WITHOUT PRESERVED PARAARTERIOLE RETINAL PIGMENT EPITHELIUM; RETINITIS PIGMENTOSA WITH OR WITHOUT PARAARTERIOLAR PRESERVATION OF RETINAL PIGMENT EPITHELIUM. Identifiers: Orphanet 791, MedGen C1838647, MONDO:0010818, OMIM 600105.
Leber congenital amaurosis 8 (LCA8). Identifiers: Orphanet 65, MedGen C3151202, MONDO:0013453, OMIM 613835.

Submissions (2):

Labcorp Genetics (formerly Invitae), Labcorp
Classification: Likely pathogenic for Leber congenital amaurosis 8; Retinitis pigmentosa 12. Last evaluated: 2022-08-03. Review status: criteria provided, single submitter. Criteria: Invitae Variant Classification Sherloc (09022015). Collection method: clinical testing. Allele origin: germline.
Comment: In summary, the currently available evidence indicates that the variant is pathogenic, but additional data are needed to prove that conclusively. Therefore, this variant has been classified as Likely Pathogenic. This variant disrupts the p.Cys1285 amino acid residue in CRB1. Other variant(s) that disrupt this residue have been determined to be pathogenic (PMID: 26667666; Invitae). This suggests that this residue is clinically significant, and that variants that disrupt this residue are likely to be disease-causing. Advanced modeling of protein sequence and biophysical properties (such as structural, functional, and spatial information, amino acid conservation, physicochemical variation, residue mobility, and thermodynamic stability) performed at Invitae indicates that this missense variant is expected to disrupt CRB1 protein function. This variant has not been reported in the literature in individuals affected with CRB1-related conditions. This variant is not present in population databases (gnomAD no frequency). This sequence change replaces cysteine, which is neutral and slightly polar, with glycine, which is neutral and non-polar, at codon 1285 of the CRB1 protein (p.Cys1285Gly).

Revvity Omics, Revvity
Classification: Uncertain significance. Last evaluated: 2022-06-06. Review status: criteria provided, single submitter. Criteria: ACMG Guidelines, 2015. Collection method: clinical testing. Allele origin: germline.

Literature cited by the submitters: PubMed 26667666 (cited by Labcorp Genetics (formerly Invitae), Labcorp).